The following is an entry in ClinVar:

NM_001083614.2(EARS2):c.1352+25G>A

Gene: EARS2 (glutamyl-tRNA synthetase 2, mitochondrial; minus strand). Cytogenetic location: 16p12.2.
Variant type: single nucleotide variant.
Coding change: c.1352+25G>A on transcript NM_001083614.2 (MANE Select); 25 bases into the intron after coding-DNA position 1352, G replaced by A.
Molecular consequence: intron variant.
Genome position (GRCh38, 1-based): chr16:23,529,477, C>T on the plus strand (G>A on the coding strand, the complement: EARS2 is on the minus strand). VCF-style: chr16-23529477-C-T. GRCh37 (hg19) VCF-style: chr16-23540798-C-T.
Other names: c.1352+25G>A (NM_001308211.1).
Identifiers: ClinVar variation 671552 (VCV000671552.5), dbSNP rs2072062, ClinGen allele CA7962334.

ClinVar aggregate classification (germline): Benign. Review status: criteria provided, multiple submitters, no conflicts (2 of 4 stars). 3 submissions from 3 submitters: Benign (3). Last evaluated 2021-07-30.

Conditions:
Leukoencephalopathy-thalamus and brainstem anomalies-high lactate syndrome. Also called: LEUKOENCEPHALOPATHY WITH THALAMUS AND BRAINSTEM INVOLVEMENT AND HIGH LACTATE; Combined oxidative phosphorylation deficiency 12. Identifiers: Orphanet 314051, MedGen C4706421, MONDO:0013971, OMIM 614924.

Allele frequency attached by ClinVar (database versions not stated): 1000 Genomes Project 0.68870; TOPMed 0.73449; 1000 Genomes Project 30x 0.68754; gnomAD 0.73904; ESP Exome Variant Server 0.75352.
gnomAD v4.1: 1,264,355 of 1,607,636 alleles (79%); highest among the groups gnomAD compares: Non-Finnish European, 81%; 499,719 homozygotes.

Submissions (3):

Genome-Nilou Lab
Classification: Benign for Leukoencephalopathy-thalamus and brainstem anomalies-high lactate syndrome. Last evaluated: 2021-07-30. Review status: criteria provided, single submitter. Criteria: ACMG Guidelines, 2015. Collection method: clinical testing. Allele origin: germline. Affected: no.

GeneDx
Classification: Benign. Last evaluated: 2018-06-14. Review status: criteria provided, single submitter. Criteria: GeneDx Variant Classification (06012015). Collection method: clinical testing. Allele origin: germline. Affected: yes.
Comment: This variant is considered likely benign or benign based on one or more of the following criteria: it is a conservative change, it occurs at a poorly conserved position in the protein, it is predicted to be benign by multiple in silico algorithms, and/or has population frequency not consistent with disease.

Breakthrough Genomics
Classification: Benign. Review status: criteria provided, single submitter. Criteria: ACMG Guidelines, 2015. Collection method: not provided. Allele origin: germline. Inheritance: Autosomal recessive inheritance. Affected: yes.